The following is an entry in ClinVar:

NM_012140.5(SLC25A10):c.*325G>T

Gene: SLC25A10 (solute carrier family 25 member 10; plus strand). Cytogenetic location: 17q25.3.
Variant type: single nucleotide variant.
Coding change: c.*325G>T on transcript NM_012140.5 (MANE Select); 325 bases downstream of the stop codon, G replaced by T.
Molecular consequence: 3 prime UTR variant. On other transcripts: missense variant (1).
Genome position (GRCh38, 1-based): chr17:81,720,402, G>T. VCF-style: chr17-81720402-G-T. GRCh37 (hg19) VCF-style: chr17-79687432-G-T.
Other names: c.*325G>T (NM_001270888.2); c.1106G>T, p.Gly369Val (NM_001270953.2); short protein forms G369V.
Identifiers: ClinVar variation 2648466 (VCV002648466.24), dbSNP rs535594755, ClinGen allele CA295118851.

ClinVar aggregate classification (germline): Likely benign (1 of 4 stars; one submission).

Allele frequency attached by ClinVar (database versions not stated): 1000 Genomes Project 30x 0.00031; 1000 Genomes Project 0.00040; gnomAD 0.00153; gnomAD exomes 0.00221.
gnomAD v4.1: 2,965 of 1,392,008 alleles (0.21%); highest among the groups gnomAD compares: Admixed American, 0.33%; 6 homozygotes.

Submission:

CeGaT Center for Human Genetics Tuebingen
Classification: Likely benign. Last evaluated: 2024-03-01. Review status: criteria provided, single submitter. Criteria: CeGaT Center For Human Genetics Tuebingen Variant Classification Criteria Version 2. Collection method: clinical testing. Allele origin: germline. Affected: yes. Observed: 2 variant alleles.
Comment: SLC25A10: BS2